The following is an entry in ClinVar:

NM_014845.6(FIG4):c.120G>T (p.Lys40Asn)

Gene: FIG4 (FIG4 phosphoinositide 5-phosphatase; plus strand). Cytogenetic location: 6q21.
Variant type: single nucleotide variant.
Coding change: c.120G>T on transcript NM_014845.6 (MANE Select); coding-DNA position 120, G replaced by T.
Protein change: p.Lys40Asn; replaces lysine 40 with asparagine.
Molecular consequence: missense variant.
Genome position (GRCh38, 1-based): chr6:109,715,131, G>T. VCF-style: chr6-109715131-G-T. GRCh37 (hg19) VCF-style: chr6-110036334-G-T.
Other names: short protein forms K40N.
Identifiers: ClinVar variation 570744 (VCV000570744.8), dbSNP rs1346518731, ClinGen allele CA365211360.

ClinVar aggregate classification (germline): Uncertain significance (1 of 4 stars; one submission).

Conditions:
Charcot-Marie-Tooth disease type 4. Also called: Charcot-Marie-Tooth, Type 4; Charcot-Marie-Tooth disease, type IV. Identifiers: Orphanet 64749, MedGen C4082197, MONDO:0018995.

Submission:

Labcorp Genetics (formerly Invitae), Labcorp
Classification: Uncertain significance for Charcot-Marie-Tooth disease type 4. Last evaluated: 2018-03-16. Review status: criteria provided, single submitter. Criteria: Invitae Variant Classification Sherloc (09022015). Collection method: clinical testing. Allele origin: germline.
Comment: This sequence change replaces lysine with asparagine at codon 40 of the FIG4 protein (p.Lys40Asn). The lysine residue is moderately conserved and there is a moderate physicochemical difference between lysine and asparagine. This variant is not present in population databases (ExAC no frequency). This variant has not been reported in the literature in individuals with FIG4-related disease. Algorithms developed to predict the effect of missense changes on protein structure and function do not agree on the potential impact of this missense change (SIFT: "Tolerated"; PolyPhen-2: "Probably Damaging"; Align-GVGD: "Class C0"). In summary, the available evidence is currently insufficient to determine the role of this variant in disease. Therefore, it has been classified as a Variant of Uncertain Significance.